The following is an entry in ClinVar:

NM_006766.5(KAT6A):c.826-4A>G

Gene: KAT6A (lysine acetyltransferase 6A; minus strand). Cytogenetic location: 8p11.21.
Variant type: single nucleotide variant.
Coding change: c.826-4A>G on transcript NM_006766.5 (MANE Select); 4 bases into the intron before coding-DNA position 826, A replaced by G.
Molecular consequence: intron variant.
Genome position (GRCh38, 1-based): chr8:41,980,931, T>C on the plus strand (A>G on the coding strand, the complement: KAT6A is on the minus strand). VCF-style: chr8-41980931-T-C. GRCh37 (hg19) VCF-style: chr8-41838449-T-C.
Other names: c.826-4A>G (NM_001305878.2).
Identifiers: ClinVar variation 2626966 (VCV002626966.1), dbSNP rs2486822422, ClinGen allele CA2582341961.
Genomic context (GRCh38, chr8:41,980,931, plus strand): 5'-ATCACAACACTCCATGTGAAAACCTCGGTCACATGAATCACAAAAGAGCATGTTATCCTA[T>C]TAGAAAAAAGAAAGGACAGTTTTGCTTAACCTTATGAAGCAGAAACATGTTACGATCATG-3'

ClinVar aggregate classification (germline): Uncertain significance (1 of 4 stars; one submission).

Submission:

Greenwood Genetic Center Diagnostic Laboratories, Greenwood Genetic Center
Classification: Uncertain significance. Last evaluated: 2023-09-26. Review status: criteria provided, single submitter. Criteria: ACMG Guidelines, 2015. Collection method: clinical testing. Allele origin: germline. Affected: yes.
Comment: PM2